The following is an entry in ClinVar:

ClinVar aggregate classification (germline): Pathogenic (1 of 4 stars; one submission).

Conditions:
Fanconi anemia (FA). Also called: Fanconi's anemia. Identifiers: Orphanet 84, MedGen C0015625, MeSH D005199, MONDO:0019391.

gnomAD v4.1: 1 of 1,614,194 alleles (0.000062%); highest among the groups gnomAD compares: Non-Finnish European, 0.000085%; no homozygotes.

Submission:

Labcorp Genetics (formerly Invitae), Labcorp
Classification: Pathogenic for Fanconi anemia. Last evaluated: 2023-11-04. Review status: criteria provided, single submitter. Criteria: Invitae Variant Classification Sherloc (09022015). Collection method: clinical testing. Allele origin: germline.
Comment: This sequence change creates a premature translational stop signal (p.Leu293*) in the FANCI gene. It is expected to result in an absent or disrupted protein product. Loss-of-function variants in FANCI are known to be pathogenic (PMID: 17452773, 17460694). This variant is not present in population databases (gnomAD no frequency). This variant has not been reported in the literature in individuals affected with FANCI-related conditions. For these reasons, this variant has been classified as Pathogenic.

Literature cited by the submitters: PubMed 17452773; PubMed 17460694.

NM_001113378.2(FANCI):c.878T>G (p.Leu293Ter)

Gene: FANCI (FA complementation group I; plus strand). Cytogenetic location: 15q26.1.
Variant type: single nucleotide variant.
Coding change: c.878T>G on transcript NM_001113378.2 (MANE Select); coding-DNA position 878, T replaced by G.
Protein change: p.Leu293Ter; replaces leucine 293 with a stop codon.
Molecular consequence: nonsense.
Genome position (GRCh38, 1-based): chr15:89,268,521, T>G. VCF-style: chr15-89268521-T-G. GRCh37 (hg19) VCF-style: chr15-89811752-T-G.
Other names: c.599T>G, p.Leu200Ter (NM_001376910.1); c.878T>G, p.Leu293Ter (NM_001376911.1, NM_018193.3); short protein forms L293*, L200*.
Identifiers: ClinVar variation 2869532 (VCV002869532.3), dbSNP rs2506072089, ClinGen allele CA393740342.
Genomic context (GRCh38, chr15:89,268,521, plus strand): 5'-TACACATTGTGTTTGCCATCAAATTGGACTATGAACTAGGCAGAGAACTCGTGAAACACT[T>G]AAAGGTAGCATCAAACTTGTAAGGTGATCTGGGTCTCTTTTGAATGAAAGTGTTTGAACT-3'